The following is an entry in ClinVar:

ClinVar aggregate classification (germline): Pathogenic (1 of 4 stars; one submission).

Conditions:
Familial intrahepatic cholestasis. Identifiers: Orphanet 284385, MedGen CN296401, MONDO:0017290.

Submission:

Genomenon, Inc
Classification: Pathogenic for Familial intrahepatic cholestasis. Last evaluated: 2026-04-14. Review status: criteria provided, single submitter. Criteria: Genomenon Sequence Variant Interpretation Standards - Updated. Collection method: curation. Allele origin: germline. Affected: yes.
Comment: ABCB11 p.Trp493Ter (c.1478G>A) is a nonsense variant that introduces a premature stop codon at amino acid position 493, creating a truncated protein that is predicted to undergo nonsense-mediated mRNA decay. This variant has been observed in at least one proband with an ABCB11-related disorder (PMID:18692205). It is absent or not present at a significant frequency in gnomAD. In conclusion, we classify ABCB11 p.Trp493Ter (c.1478G>A) as a pathogenic variant.

Literature cited by the submitters: PubMed 18692205.

NM_003742.4(ABCB11):c.1478G>A (p.Trp493Ter)

Gene: ABCB11 (ATP binding cassette subfamily B member 11; minus strand). Cytogenetic location: 2q31.1.
Variant type: single nucleotide variant.
Coding change: c.1478G>A on transcript NM_003742.4 (MANE Select); coding-DNA position 1478, G replaced by A.
Protein change: p.Trp493Ter; replaces tryptophan 493 with a stop codon.
Molecular consequence: nonsense.
Genome position (GRCh38, 1-based): chr2:168,972,007, C>T on the plus strand (G>A on the coding strand, the complement: ABCB11 is on the minus strand). VCF-style: chr2-168972007-C-T. GRCh37 (hg19) VCF-style: chr2-169828517-C-T.
Other names: short protein forms W493*.
Identifiers: ClinVar variation 4846218 (VCV004846218.1).
Genomic context (GRCh38, chr2:168,972,007, plus strand): 5'-GCAATGGTGGTAGAGAACAGAACTGGCTCTTGCTCCACTATCCCAATCTGATCTCTAAGC[C>T]ACTGAATGTTAAGAGAGCGAATGTCATGGCCATCCACGGTCACCTAGAGAGCATGGGCAC-3'